The following is an entry in ClinVar:

ClinVar aggregate classification (germline): Likely pathogenic (1 of 4 stars; one submission).

Conditions:
Dilated cardiomyopathy 1G (CMD1G). Identifiers: Orphanet 154, MedGen C1858763, MONDO:0011400, OMIM 604145.
Autosomal recessive limb-girdle muscular dystrophy type 2J (LGMDR10). Also called: Limb-girdle muscular dystrophy, type 2J; MUSCULAR DYSTROPHY, LIMB-GIRDLE, AUTOSOMAL RECESSIVE 10. Identifiers: Orphanet 140922, MedGen C1837342, MONDO:0012127, OMIM 608807.

Submission:

Labcorp Genetics (formerly Invitae), Labcorp
Classification: Likely pathogenic for Dilated cardiomyopathy 1G; Autosomal recessive limb-girdle muscular dystrophy type 2J. Last evaluated: 2022-10-12. Review status: criteria provided, single submitter. Criteria: Invitae Variant Classification Sherloc (09022015). Collection method: clinical testing. Allele origin: germline.
Comment: This variant is not present in population databases (gnomAD no frequency). This sequence change creates a premature translational stop signal (p.Trp27709Argfs*12) in the TTN gene. While this is not anticipated to result in nonsense mediated decay, it is expected to create a truncated TTN protein. In summary, the currently available evidence indicates that the variant is pathogenic, but additional data are needed to prove that conclusively. Therefore, this variant has been classified as Likely Pathogenic. This variant is located in the A band of TTN (PMID: 25589632). Truncating variants in this region are significantly overrepresented in patients affected with dilated cardiomyopathy (PMID: 25589632). Truncating variants in this region have also been reported in individuals affected with autosomal recessive centronuclear myopathy (PMID: 23975875). This variant has not been reported in the literature in individuals affected with TTN-related conditions.

Literature cited by the submitters: PubMed 25589632; PubMed 23975875.

NM_001267550.2(TTN):c.83125_83131del (p.Trp27709fs)

Genes: TTN (titin; minus strand), TTN-AS1 (TTN antisense RNA 1; plus strand). Cytogenetic location: 2q31.2.
Variant type: Deletion.
Coding change: c.83125_83131del on transcript NM_001267550.2 (MANE Select); coding-DNA positions 83125 to 83131, 7 bases deleted (TGGGAAA; older notation c.83125_83131delTGGGAAA).
Protein change: p.Trp27709fs; shifts the reading frame from tryptophan 27709.
Molecular consequence: frameshift variant.
Genome position (GRCh38, 1-based): chr2:178,563,001-178,563,007, TTTCCCA deleted on the plus strand (TGGGAAA on the coding strand, the reverse complement: TTN is on the minus strand); deleting any 7 consecutive bases within chr2:178,563,001-178,563,010 gives the same sequence; the c. name uses the placement nearest the transcript's 3' end. VCF-style (leftmost placement, unchanged base first): chr2-178563000-TTTTCCCA-T. GRCh37 (hg19) VCF-style: chr2-179427727-TTTTCCCA-T.
Other names: c.78202_78208del, p.Trp26068fs (NM_001256850.1); c.55930_55936del, p.Trp18644fs (NM_003319.4); c.75421_75427del, p.Trp25141fs (NM_133378.4); c.56305_56311del, p.Trp18769fs (NM_133432.3); c.56506_56512del, p.Trp18836fs (NM_133437.4); short protein forms W18644fs, W26068fs, W18769fs, W25141fs, W27709fs, W18836fs.
Identifiers: ClinVar variation 2035276 (VCV002035276.4), dbSNP rs2468145475, ClinGen allele CA2580064626.
Genomic context (GRCh38, chr2:178,563,000, plus strand): 5'-AACATTGTAAATGAGCTGGTCACCTCTATCTGAGCCCTGTCAGTGAGAATGCCTTCTGCC[TTTTCCCA>T]TTTAACTTCGGGTTCTGGTCGACCTTTGATAGTGACAAATAAGCGTAAAGTAGCACTTGC-3'